The following is an entry in ClinVar:

ClinVar aggregate classification (germline): Likely benign (1 of 4 stars; one submission).

Conditions:
Leigh syndrome (NULS). Also called: Leigh's necrotizing encephalopathy; Leigh's disease; Leigh Syndrome (mtDNA deletion); Leigh Disease; Subacute necrotizing encephalopathy; Necrotizing encephalopathy infantile subacute of Leigh. Identifiers: Orphanet 506, MedGen C2931891, MONDO:0009723, OMIM 256000.

Submission:

Wong Mito Lab, Molecular and Human Genetics, Baylor College of Medicine
Classification: Likely benign for Leigh syndrome. Last evaluated: 2019-10-17. Review status: criteria provided, single submitter. Criteria: Modified ACMG Guidelines (Unpublished). Collection method: clinical testing. Allele origin: germline.
Comment: The NC_012920.1:m.4762T>C (YP_003024027.1:p.Ile98Thr) variant in MTND2 gene is interpretated to be a Likely Benign variant based on the modified ACMG guidelines (unpublished). This variant meets the following evidence codes: BP4, BP5, BP6, PP7

NC_012920.1(MT-ND2):m.4762T>C

Gene: MT-ND2 (mitochondrially encoded NADH dehydrogenase 2; plus strand).
Variant type: single nucleotide variant.
Genome position: chrM-4762-T-C.
Identifiers: ClinVar variation 692498 (VCV000692498.1), dbSNP rs1603219605, ClinGen allele CA414775673.